The following is an entry in ClinVar:

ClinVar aggregate classification (germline): Pathogenic (1 of 4 stars; one submission).

Submission:

Labcorp Genetics (formerly Invitae), Labcorp
Classification: Pathogenic. Last evaluated: 2021-10-31. Review status: criteria provided, single submitter. Criteria: Invitae Variant Classification Sherloc (09022015). Collection method: clinical testing. Allele origin: germline.
Comment: This sequence change creates a premature translational stop signal (p.Leu293Serfs*7) in the FAM161A gene. It is expected to result in an absent or disrupted protein product. Loss-of-function variants in FAM161A are known to be pathogenic (PMID: 20705278, 20705279, 24651477). For these reasons, this variant has been classified as Pathogenic. This variant has not been reported in the literature in individuals affected with FAM161A-related conditions. This variant is not present in population databases (gnomAD no frequency).

Literature cited by the submitters: PubMed 20705278; PubMed 20705279; PubMed 24651477.

NM_001201543.2(FAM161A):c.876del (p.Leu293fs)

Gene: FAM161A (FAM161 centrosomal protein A; minus strand). Cytogenetic location: 2p15.
Variant type: Deletion.
Coding change: c.876del on transcript NM_001201543.2 (MANE Select); coding-DNA position 876, one base deleted (T; older notation c.876delT).
Protein change: p.Leu293fs; shifts the reading frame from leucine 293.
Molecular consequence: frameshift variant. On other transcripts: non-coding transcript variant (1).
Genome position (GRCh38, 1-based): chr2:61,840,128, A deleted on the plus strand (T on the coding strand, the reverse complement: FAM161A is on the minus strand); the first of 3 consecutive A bases (chr2:61,840,128-61,840,130); deleting any one gives the same sequence. VCF-style (leftmost placement, unchanged base first): chr2-61840127-GA-G. GRCh37 (hg19) VCF-style: chr2-62067262-GA-G.
Other names: c.876del, p.Leu293fs (NM_032180.3); short protein forms L293fs.
Identifiers: ClinVar variation 1432298 (VCV001432298.6), dbSNP rs2105082415, ClinGen allele CA2573135002.
Genomic context (GRCh38, chr2:61,840,127, plus strand): 5'-TCTCCTTCAGAGACCTTCTCCGTTCTTCTTTTTGCTTGACTAAATCATGGTAAAGGGGGA[GA>G]AAGACAGATGCAGGAACTGGATTGGCTCGGAATTTCTTCTTATACTCTGGATCCTCTTCT-3'